The following is an entry in ClinVar:

NM_019066.5(MAGEL2):c.3473C>A (p.Thr1158Asn)

Gene: MAGEL2 (MAGE family member L2; minus strand). Cytogenetic location: 15q11.2.
Variant type: single nucleotide variant.
Coding change: c.3473C>A on transcript NM_019066.5 (MANE Select); coding-DNA position 3473, C replaced by A.
Protein change: p.Thr1158Asn; replaces threonine 1158 with asparagine.
Molecular consequence: missense variant.
Genome position (GRCh38, 1-based): chr15:23,644,270, G>T on the plus strand (C>A on the coding strand, the complement: MAGEL2 is on the minus strand). VCF-style: chr15-23644270-G-T. GRCh37 (hg19) VCF-style: chr15-23889417-G-T.
Other names: short protein forms T1158N.
Identifiers: ClinVar variation 1194544 (VCV001194544.2), dbSNP rs903212062, ClinGen allele CA267657644.

ClinVar aggregate classification (germline): Uncertain significance (1 of 4 stars; one submission).

Allele frequency attached by ClinVar (database versions not stated): gnomAD 0.00002 and 0.00003; TOPMed 0.00002.
gnomAD v4.1: 33 of 1,613,542 alleles (0.002%); highest among the groups gnomAD compares: Non-Finnish European, 0.0027%; no homozygotes.

Submission:

GeneDx
Classification: Uncertain significance. Last evaluated: 2021-04-13. Review status: criteria provided, single submitter. Criteria: GeneDx Variant Classification Process June 2021. Collection method: clinical testing. Allele origin: germline. Affected: yes.
Comment: In silico analysis supports that this missense variant has a deleterious effect on protein structure/function; Has not been previously published as pathogenic or benign to our knowledge; Not observed at a significant frequency in large population cohorts (Lek et al., 2016)